The following is an entry in ClinVar:

NM_004415.4(DSP):c.4658A>T (p.Asp1553Val)

Gene: DSP (desmoplakin; plus strand). Cytogenetic location: 6p24.3.
Variant type: single nucleotide variant.
Coding change: c.4658A>T on transcript NM_004415.4 (MANE Select); coding-DNA position 4658, A replaced by T.
Protein change: p.Asp1553Val; replaces aspartic acid 1553 with valine.
Molecular consequence: missense variant. On other transcripts: intron variant (2).
Genome position (GRCh38, 1-based): chr6:7,580,848, A>T. VCF-style: chr6-7580848-A-T. GRCh37 (hg19) VCF-style: chr6-7581081-A-T.
Other names: c.4050+608A>T (NM_001319034.2); c.3582+1076A>T (NM_001008844.3); short protein forms D1553V.
Identifiers: ClinVar variation 5009558 (VCV005009558.1).

ClinVar aggregate classification (germline): Uncertain significance (1 of 4 stars; one submission).

Submission:

GeneDx
Classification: Uncertain significance. Last evaluated: 2026-03-20. Review status: criteria provided, single submitter. Criteria: GeneDx Variant Classification Process June 2021. Collection method: clinical testing. Allele origin: germline.
Comment: Not observed at significant frequency in large population cohorts (gnomAD); In silico analysis supports that this missense variant has a deleterious effect on protein structure/function; Has not been previously published as pathogenic or benign to our knowledge